The following is an entry in ClinVar:

NM_001211.6(BUB1B):c.1231T>C (p.Ser411Pro)

Gene: BUB1B (BUB1 mitotic checkpoint serine/threonine kinase B; plus strand). Cytogenetic location: 15q15.1.
Variant type: single nucleotide variant.
Coding change: c.1231T>C on transcript NM_001211.6 (MANE Select); coding-DNA position 1231, T replaced by C.
Protein change: p.Ser411Pro; replaces serine 411 with proline.
Molecular consequence: missense variant.
Genome position (GRCh38, 1-based): chr15:40,196,717, T>C. VCF-style: chr15-40196717-T-C. GRCh37 (hg19) VCF-style: chr15-40488918-T-C.
Other names: short protein forms S411P.
Identifiers: ClinVar variation 3826067 (VCV003826067.1).
Genomic context (GRCh38, chr15:40,196,717, plus strand): 5'-GAGAAGAAAGAGAAGATGATGTATTGTAAGGAGAAGATTTATGCAGGAGTAGGGGAATTC[T>C]CCTTTGAAGAAATTCGGGCTGAAGTTTTCCGGAAGAAATTAAAAGAGCAAAGGGAAGGTG-3'
Protein context (NP_001202.5, residues 401-421): EKIYAGVGEF[Ser411Pro]FEEIRAEVFR

ClinVar aggregate classification (germline): Uncertain significance (1 of 4 stars; one submission).

Conditions:
Inborn genetic diseases. Identifiers: MedGen C0950123, MeSH D030342.

Submission:

Ambry Genetics
Classification: Uncertain significance for Inborn genetic diseases. Last evaluated: 2025-01-13. Review status: criteria provided, single submitter. Criteria: Ambry Variant Classification Scheme 2023. Collection method: clinical testing. Allele origin: germline.
Comment: The p.S411P variant (also known as c.1231T>C), located in coding exon 9 of the BUB1B gene, results from a T to C substitution at nucleotide position 1231. The serine at codon 411 is replaced by proline, an amino acid with similar properties. This amino acid position is conserved. In addition, the in silico prediction for this alteration is inconclusive. Based on the available evidence, the clinical significance of this variant remains unclear.